The following is an entry in ClinVar:

NM_183357.3(ADCY5):c.77C>T (p.Pro26Leu)

Gene: ADCY5 (adenylate cyclase 5; minus strand). Cytogenetic location: 3q21.1.
Variant type: single nucleotide variant.
Coding change: c.77C>T on transcript NM_183357.3 (MANE Select); coding-DNA position 77, C replaced by T.
Protein change: p.Pro26Leu; replaces proline 26 with leucine.
Molecular consequence: missense variant.
Genome position (GRCh38, 1-based): chr3:123,448,469, G>A on the plus strand (C>T on the coding strand, the complement: ADCY5 is on the minus strand). VCF-style: chr3-123448469-G-A. GRCh37 (hg19) VCF-style: chr3-123167316-G-A.
Other names: c.77C>T, p.Pro26Leu (NM_001378259.1); c.77C>T (NM_183357.2); short protein forms P26L.
Identifiers: ClinVar variation 1375222 (VCV001375222.9), dbSNP rs752897516, ClinGen allele CA2577746.
Genomic context (GRCh38, chr3:123,448,469, plus strand): 5'-GGGGCATGGGGGTAGCCATTCGCGCGGGAATCGGCCTCGCCCCACGCAGAGCGGTGTTCG[G>A]GGCCTCCCCGGGGCGCCGGCGCCGCAGTCTTCTGCGCCGCGTAGCCCGGGGGGCTCACGC-3'
Protein context (NP_899200.1, residues 16-36): KTAAPAPRGG[Pro26Leu]EHRSAWGEAD

ClinVar aggregate classification (germline): Conflicting classifications of pathogenicity. Review status: criteria provided, conflicting classifications (1 of 4 stars). 2 submissions from 2 submitters: Uncertain significance (1); Benign (1). Last evaluated 2026-01-18.

gnomAD v4.1: 62 of 1,274,508 alleles (0.0049%); highest among the groups gnomAD compares: Non-Finnish European, 0.0011%; no homozygotes.

Submissions (2):

Labcorp Genetics (formerly Invitae), Labcorp
Classification: Benign. Last evaluated: 2026-01-18. Review status: criteria provided, single submitter. Criteria: Invitae Variant Classification Sherloc (09022015). Collection method: clinical testing. Allele origin: germline.

GeneDx
Classification: Uncertain significance. Last evaluated: 2023-12-10. Review status: criteria provided, single submitter. Criteria: GeneDx Variant Classification Process June 2021. Collection method: clinical testing. Allele origin: germline. Affected: yes.
Comment: In silico analysis supports that this missense variant does not alter protein structure/function; Has not been previously published as pathogenic or benign to our knowledge